The following is an entry in ClinVar:

NM_000179.3(MSH6):c.2837A>T (p.Glu946Val)

Gene: MSH6 (mutS homolog 6; plus strand). Cytogenetic location: 2p16.3.
Variant type: single nucleotide variant.
Coding change: c.2837A>T on transcript NM_000179.3 (MANE Select); coding-DNA position 2837, A replaced by T.
Protein change: p.Glu946Val; replaces glutamic acid 946 with valine.
Molecular consequence: missense variant.
Genome position (GRCh38, 1-based): chr2:47,800,820, A>T. VCF-style: chr2-47800820-A-T. GRCh37 (hg19) VCF-style: chr2-48027959-A-T.
Other names: c.2447A>T, p.Glu816Val (NM_001281492.2); c.1931A>T, p.Glu644Val (NM_001281493.2, NM_001281494.2, NM_001406814.1 and 6 more transcripts); c.2933A>T, p.Glu978Val (NM_001406795.1, NM_001406802.1); c.2837A>T, p.Glu946Val (NM_001406796.1, NM_001406798.1, NM_001406800.1 and 2 more transcripts); c.2540A>T, p.Glu847Val (NM_001406797.1, NM_001406818.1, NM_001406819.1 and 10 more transcripts); c.2312A>T, p.Glu771Val (NM_001406799.1, NM_001406806.1, NM_001406807.1); c.2843A>T, p.Glu948Val (NM_001406813.1); c.2669A>T, p.Glu890Val (NM_001406826.1); and 2 more; short protein forms E771V, E816V, E978V, E847V, E261V, E644V, E920V, E946V.
Identifiers: ClinVar variation 2166738 (VCV002166738.5), dbSNP rs1669516579, ClinGen allele CA346755764.

ClinVar aggregate classification (germline): Uncertain significance. Review status: criteria provided, multiple submitters, no conflicts (2 of 4 stars). 2 submissions from 2 submitters: Uncertain significance (2). Last evaluated 2026-02-20.

Conditions:
Hereditary cancer-predisposing syndrome. Also called: Hereditary neoplastic syndrome; Neoplastic Syndromes, Hereditary; Tumor predisposition; Hereditary Cancer Syndrome. Identifiers: Orphanet 140162, MedGen C0027672, MeSH D009386, MONDO:0015356.
Hereditary nonpolyposis colorectal neoplasms. Identifiers: MedGen C0009405, MeSH D003123.

Submissions (2):

Ambry Genetics
Classification: Uncertain significance for Hereditary cancer-predisposing syndrome. Last evaluated: 2026-02-20. Review status: criteria provided, single submitter. Criteria: Ambry Variant Classification Scheme 2023. Collection method: clinical testing. Allele origin: germline.
Comment: The p.E946V variant (also known as c.2837A>T), located in coding exon 4 of the MSH6 gene, results from an A to T substitution at nucleotide position 2837. The glutamic acid at codon 946 is replaced by valine, an amino acid with dissimilar properties. This amino acid position is not well conserved in available vertebrate species. In addition, the in silico prediction for this alteration is inconclusive. Based on the available evidence, the clinical significance of this variant remains unclear.

Labcorp Genetics (formerly Invitae), Labcorp
Classification: Uncertain significance for Hereditary nonpolyposis colorectal neoplasms. Last evaluated: 2024-12-10. Review status: criteria provided, single submitter. Criteria: Invitae Variant Classification Sherloc (09022015). Collection method: clinical testing. Allele origin: germline.
Comment: This sequence change replaces glutamic acid, which is acidic and polar, with valine, which is neutral and non-polar, at codon 946 of the MSH6 protein (p.Glu946Val). This variant is not present in population databases (gnomAD no frequency). This variant has not been reported in the literature in individuals affected with MSH6-related conditions. ClinVar contains an entry for this variant (Variation ID: 2166738). Invitae Evidence Modeling of protein sequence and biophysical properties (such as structural, functional, and spatial information, amino acid conservation, physicochemical variation, residue mobility, and thermodynamic stability) indicates that this missense variant is not expected to disrupt MSH6 protein function with a negative predictive value of 95%. In summary, the available evidence is currently insufficient to determine the role of this variant in disease. Therefore, it has been classified as a Variant of Uncertain Significance.